The following is an entry in ClinVar:

ClinVar aggregate classification (germline): Uncertain significance. Review status: criteria provided, multiple submitters, no conflicts (2 of 4 stars). 3 submissions from 3 submitters: Uncertain significance (3). Last evaluated 2024-06-05.

Conditions:
CHARGE syndrome (CHARGE). Also called: Hittner Hirsch Kreh syndrome; CHARGE ASSOCIATION--COLOBOMA, HEART ANOMALY, CHOANAL ATRESIA, RETARDATION, GENITAL AND EAR ANOMALIES; Coloboma, heart anomaly, choanal atresia, retardation, genital and ear anomalies; CHARGE association; Hall-Hittner syndrome. Identifiers: Orphanet 138, MedGen C0265354, MONDO:0008965.

gnomAD v4.1: 1 of 1,613,986 alleles (0.000062%); no homozygotes.

Submissions (3):

GeneDx
Classification: Uncertain significance. Last evaluated: 2024-06-05. Review status: criteria provided, single submitter. Criteria: GeneDx Variant Classification Process June 2021. Collection method: clinical testing. Allele origin: germline. Affected: yes.
Comment: Not observed at significant frequency in large population cohorts (gnomAD); In silico analysis indicates that this missense variant does not alter protein structure/function; Has not been previously published as pathogenic or benign to our knowledge

Blueprint Genetics
Classification: Uncertain significance. Last evaluated: 2023-11-29. Review status: criteria provided, single submitter. Criteria: ACMG Guidelines, 2015. Collection method: clinical testing. Allele origin: germline.

Labcorp Genetics (formerly Invitae), Labcorp
Classification: Uncertain significance for CHARGE syndrome. Last evaluated: 2022-06-12. Review status: criteria provided, single submitter. Criteria: Invitae Variant Classification Sherloc (09022015). Collection method: clinical testing. Allele origin: germline.
Comment: In summary, the available evidence is currently insufficient to determine the role of this variant in disease. Therefore, it has been classified as a Variant of Uncertain Significance. Advanced modeling of protein sequence and biophysical properties (such as structural, functional, and spatial information, amino acid conservation, physicochemical variation, residue mobility, and thermodynamic stability) performed at Invitae indicates that this missense variant is not expected to disrupt CHD7 protein function. This variant has not been reported in the literature in individuals affected with CHD7-related conditions. This variant is not present in population databases (gnomAD no frequency). This sequence change replaces glycine, which is neutral and non-polar, with arginine, which is basic and polar, at codon 352 of the CHD7 protein (p.Gly352Arg).

NM_017780.4(CHD7):c.1054G>A (p.Gly352Arg)

Gene: CHD7 (chromodomain helicase DNA binding protein 7; plus strand). Cytogenetic location: 8q12.2.
Variant type: single nucleotide variant.
Coding change: c.1054G>A on transcript NM_017780.4 (MANE Select); coding-DNA position 1054, G replaced by A.
Protein change: p.Gly352Arg; replaces glycine 352 with arginine.
Molecular consequence: missense variant.
Genome position (GRCh38, 1-based): chr8:60,742,486, G>A. VCF-style: chr8-60742486-G-A. GRCh37 (hg19) VCF-style: chr8-61655045-G-A.
Other names: c.1054G>A, p.Gly352Arg (NM_001316690.1); short protein forms G352R.
Identifiers: ClinVar variation 1924993 (VCV001924993.7), dbSNP rs2487275366, ClinGen allele CA371300985.